The following is an entry in ClinVar:

ClinVar aggregate classification (germline): Uncertain significance (1 of 4 stars; one submission).

Submission:

Labcorp Genetics (formerly Invitae), Labcorp
Classification: Uncertain significance. Last evaluated: 2022-03-27. Review status: criteria provided, single submitter. Criteria: Invitae Variant Classification Sherloc (09022015). Collection method: clinical testing. Allele origin: germline.
Comment: This sequence change replaces serine, which is neutral and polar, with asparagine, which is neutral and polar, at codon 122 of the NPPC protein (p.Ser122Asn). This variant is not present in population databases (gnomAD no frequency). This variant has not been reported in the literature in individuals affected with NPPC-related conditions. Algorithms developed to predict the effect of missense changes on protein structure and function are either unavailable or do not agree on the potential impact of this missense change (SIFT: "Not Available"; PolyPhen-2: "Possibly Damaging"; Align-GVGD: "Not Available"). In summary, the available evidence is currently insufficient to determine the role of this variant in disease. Therefore, it has been classified as a Variant of Uncertain Significance.

NM_024409.4(NPPC):c.365G>A (p.Ser122Asn)

Gene: NPPC (natriuretic peptide C; minus strand). Cytogenetic location: 2q37.1.
Variant type: single nucleotide variant.
Coding change: c.365G>A on transcript NM_024409.4 (MANE Select); coding-DNA position 365, G replaced by A.
Protein change: p.Ser122Asn; replaces serine 122 with asparagine.
Molecular consequence: missense variant.
Genome position (GRCh38, 1-based): chr2:231,925,441, C>T on the plus strand (G>A on the coding strand, the complement: NPPC is on the minus strand). VCF-style: chr2-231925441-C-T. GRCh37 (hg19) VCF-style: chr2-232790151-C-T.
Other names: short protein forms S122N.
Identifiers: ClinVar variation 2118056 (VCV002118056.4), dbSNP rs2469434773, ClinGen allele CA351149831.